The following is an entry in ClinVar:

NM_003924.4(PHOX2B):c.742G>C (p.Ala248Pro)

Genes: PHOX2B (paired like homeobox 2B; minus strand), LOC110011216 (paired like homeobox 2b polyalanine repeat instability region; plus strand). Cytogenetic location: 4p13.
Variant type: single nucleotide variant.
Coding change: c.742G>C on transcript NM_003924.4 (MANE Select); coding-DNA position 742, G replaced by C.
Protein change: p.Ala248Pro; replaces alanine 248 with proline.
Molecular consequence: missense variant.
Genome position (GRCh38, 1-based): chr4:41,746,010, C>G on the plus strand (G>C on the coding strand, the complement: PHOX2B is on the minus strand). VCF-style: chr4-41746010-C-G. GRCh37 (hg19) VCF-style: chr4-41748027-C-G.
Other names: short protein forms A248P.
Identifiers: ClinVar variation 1758878 (VCV001758878.3), dbSNP rs2552096818, ClinGen allele CA356737218.
Genomic context (GRCh38, chr4:41,746,010, plus strand): 5'-CCCCAGCCGCAGCCAGGCCTCCAGCTGCCGCCGCTGCCGCTGCCGCCGCCGCCGCTGCCG[C>G]GGCCGCCGCCGCTGCTGCTGCGCCGCCCTTGCCGGGTTCGCCTCCCGGGCCCCCGGGCCC-3'
Protein context (NP_003915.2, residues 238-258): KGGAAAAAAA[Ala248Pro]AAAAAAAAAA

ClinVar aggregate classification (germline): Uncertain significance (1 of 4 stars; one submission).

Conditions:
Hereditary cancer-predisposing syndrome. Also called: Neoplastic Syndromes, Hereditary; Tumor predisposition; Hereditary Cancer Syndrome; Hereditary neoplastic syndrome. Identifiers: Orphanet 140162, MedGen C0027672, MeSH D009386, MONDO:0015356.

Submission:

Ambry Genetics
Classification: Uncertain significance for Hereditary cancer-predisposing syndrome. Last evaluated: 2024-11-27. Review status: criteria provided, single submitter. Criteria: Ambry Variant Classification Scheme 2023. Collection method: clinical testing. Allele origin: germline.
Comment: The p.A248P variant (also known as c.742G>C), located in coding exon 3 of the PHOX2B gene, results from a G to C substitution at nucleotide position 742. The alanine at codon 248 is replaced by proline, an amino acid with highly similar properties. This amino acid position is conserved. In addition, this alteration is predicted to be tolerated by in silico analysis. Since supporting evidence is limited at this time, the clinical significance of this alteration remains unclear.